The following is an entry in ClinVar:

NM_000059.4(BRCA2):c.6206del (p.Ile2068_Leu2069insTer)

Gene: BRCA2 (BRCA2 DNA repair associated; plus strand). Cytogenetic location: 13q13.1.
Variant type: Deletion.
Coding change: c.6206del on transcript NM_000059.4 (MANE Select); coding-DNA position 6206, one base deleted (T; older notation c.6206delT).
Protein change: p.Ile2068_Leu2069insTer.
Molecular consequence: nonsense.
Genome position (GRCh38, 1-based): chr13:32,340,561, T deleted; the last of 4 consecutive T bases (chr13:32,340,558-32,340,561); deleting any one gives the same sequence. VCF-style (leftmost placement, unchanged base first): chr13-32340557-AT-A. GRCh37 (hg19) VCF-style: chr13-32914694-AT-A.
Other names: c.6206delT (NM_000059.3).
Identifiers: ClinVar variation 52031 (VCV000052031.3), dbSNP rs397507834, ClinGen allele CA023743.
Genomic context (GRCh38, chr13:32,340,557, plus strand): 5'-AATGTGGTAAATTCATCTGCTTTCTCTGGATTTAGTACAGCAAGTGGAAAGCAAGTTTCC[AT>A]TTTAGAAAGTTCCTTACACAAAGTTAAGGGAGTGTTAGAGGAATTTGATTTAATCAGAAC-3'

ClinVar aggregate classification (germline): Pathogenic. Review status: reviewed by expert panel (3 of 4 stars). 2 submissions from 2 submitters: Pathogenic (1). 1 of the submissions does not count toward it. Last evaluated 2017-12-15.

Conditions:
Familial cancer of breast. Also called: BREAST CANCER, FAMILIAL; Hereditary breast cancer; hereditary breast carcinoma. Identifiers: Orphanet 227535, MedGen C0346153, MONDO:0016419, OMIM 114480. Disease mechanism: loss of function.
Breast-ovarian cancer, familial, susceptibility to, 2 (BROVCA2). Also called: BRCA2 Hereditary Breast and Ovarian Cancer. Identifiers: Orphanet 145, MedGen C2675520, MONDO:0012933, OMIM 612555. Disease mechanism: loss of function.

Submissions (2):

Evidence-based Network for the Interpretation of Germline Mutant Alleles (ENIGMA)
Classification: Pathogenic for Breast-ovarian cancer, familial, susceptibility to, 2. Last evaluated: 2017-12-15. Review status: reviewed by expert panel. Criteria: ENIGMA BRCA1/2 Classification Criteria (2017-06-29). Collection method: curation. Allele origin: germline. Study: ENIGMA.
Comment: Variant allele predicted to encode a truncated non-functional protein.

ClinVar Staff, National Center for Biotechnology Information (NCBI)
No classification provided. Condition: Familial cancer of breast. Review status: no classification provided. Collection method: literature only. Allele origin: germline. Affected: yes. Not counted in ClinVar's aggregate classification.

Literature cited by the submitters: PubMed 9150172 (cited by ClinVar Staff, National Center for Biotechnology Information (NCBI)).